The following is an entry in ClinVar:

ClinVar aggregate classification (germline): Uncertain significance. Review status: criteria provided, multiple submitters, no conflicts (2 of 4 stars). 3 submissions from 3 submitters: Uncertain significance (3). Last evaluated 2024-01-30.

Conditions:
Dyskeratosis congenita. Identifiers: Orphanet 1775, MedGen C0265965, MONDO:0015780.
Dyskeratosis congenita, autosomal recessive 2 (DKCB2). Identifiers: Orphanet 1775, MedGen C3151441, MONDO:0013519, OMIM 613987.

Allele frequency attached by ClinVar (database versions not stated): gnomAD exomes below 0.00001 and 0.00001; ExAC 0.00002; gnomAD 0.00006; TOPMed 0.00006; ESP Exome Variant Server 0.00008.
gnomAD v4.1: 15 of 1,613,822 alleles (0.00093%); highest among the groups gnomAD compares: African/African-American, 0.02%; no homozygotes.

Submissions (3):

Fulgent Genetics
Classification: Uncertain significance for Dyskeratosis congenita, autosomal recessive 2. Last evaluated: 2024-01-30. Review status: criteria provided, single submitter. Criteria: ACMG Guidelines, 2015. Collection method: clinical testing. Allele origin: germline.

Labcorp Genetics (formerly Invitae), Labcorp
Classification: Uncertain significance for Dyskeratosis congenita. Last evaluated: 2021-09-02. Review status: criteria provided, single submitter. Criteria: Invitae Variant Classification Sherloc (09022015). Collection method: clinical testing. Allele origin: germline.
Comment: This sequence change replaces methionine with valine at codon 97 of the NHP2 protein (p.Met97Val). The methionine residue is moderately conserved and there is a small physicochemical difference between methionine and valine. This variant is present in population databases (rs372840247, ExAC 0.03%). This variant has not been reported in the literature in individuals affected with NHP2-related conditions. Algorithms developed to predict the effect of missense changes on protein structure and function (SIFT, PolyPhen-2, Align-GVGD) all suggest that this variant is likely to be tolerated. Algorithms developed to predict the effect of sequence changes on RNA splicing suggest that this variant may create or strengthen a splice site. In summary, the available evidence is currently insufficient to determine the role of this variant in disease. Therefore, it has been classified as a Variant of Uncertain Significance.

Ambry Genetics
Classification: Uncertain significance for Dyskeratosis congenita. Last evaluated: 2021-06-11. Review status: criteria provided, single submitter. Criteria: Ambry Variant Classification Scheme 2023. Collection method: clinical testing. Allele origin: germline.

NM_017838.4(NHP2):c.289A>G (p.Met97Val)

Gene: NHP2 (NHP2 ribonucleoprotein; minus strand). Cytogenetic location: 5q35.3.
Variant type: single nucleotide variant.
Coding change: c.289A>G on transcript NM_017838.4 (MANE Select); coding-DNA position 289, A replaced by G.
Protein change: p.Met97Val; replaces methionine 97 with valine.
Molecular consequence: missense variant. On other transcripts: intron variant (1).
Genome position (GRCh38, 1-based): chr5:178,150,935, T>C on the plus strand (A>G on the coding strand, the complement: NHP2 is on the minus strand). VCF-style: chr5-178150935-T-C. GRCh37 (hg19) VCF-style: chr5-177577936-T-C.
Other names: c.231-1097A>G (NM_001034833.2); short protein forms M97V.
Identifiers: ClinVar variation 643775 (VCV000643775.11), dbSNP rs372840247, ClinGen allele CA3589190.